The following is an entry in ClinVar:

ClinVar aggregate classification (germline): Uncertain significance (1 of 4 stars; one submission).

Submission:

Labcorp Genetics (formerly Invitae), Labcorp
Classification: Uncertain significance. Last evaluated: 2025-03-31. Review status: criteria provided, single submitter. Criteria: Invitae Variant Classification Sherloc (09022015). Collection method: clinical testing. Allele origin: germline.
Comment: This sequence change replaces leucine, which is neutral and non-polar, with methionine, which is neutral and non-polar, at codon 221 of the DHX32 protein (p.Leu221Met). This variant is not present in population databases (gnomAD no frequency). This variant has not been reported in the literature in individuals affected with DHX32-related conditions. An algorithm developed to predict the effect of missense changes on protein structure and function (PolyPhen-2) suggests that this variant is likely to be tolerated. In summary, the available evidence is currently insufficient to determine the role of this variant in disease. Therefore, it has been classified as a Variant of Uncertain Significance.

NM_018180.3(DHX32):c.661C>A (p.Leu221Met)

Gene: DHX32 (DEAH-box helicase 32 (putative); minus strand). Cytogenetic location: 10q26.2.
Variant type: single nucleotide variant.
Coding change: c.661C>A on transcript NM_018180.3 (MANE Select); coding-DNA position 661, C replaced by A.
Protein change: p.Leu221Met; replaces leucine 221 with methionine.
Molecular consequence: missense variant.
Genome position (GRCh38, 1-based): chr10:125,859,791, G>T on the plus strand (C>A on the coding strand, the complement: DHX32 is on the minus strand). VCF-style: chr10-125859791-G-T. GRCh37 (hg19) VCF-style: chr10-127548360-G-T.
Other names: short protein forms L221M.
Identifiers: ClinVar variation 4716450 (VCV004716450.1).